The following is an entry in ClinVar:

NM_001199799.2(ILDR1):c.232T>G (p.Tyr78Asp)

Gene: ILDR1 (immunoglobulin like domain containing receptor 1; minus strand). Cytogenetic location: 3q13.33.
Variant type: single nucleotide variant.
Coding change: c.232T>G on transcript NM_001199799.2 (MANE Select); coding-DNA position 232, T replaced by G.
Protein change: p.Tyr78Asp; replaces tyrosine 78 with aspartic acid.
Molecular consequence: missense variant.
Genome position (GRCh38, 1-based): chr3:122,005,391, A>C on the plus strand (T>G on the coding strand, the complement: ILDR1 is on the minus strand). VCF-style: chr3-122005391-A-C. GRCh37 (hg19) VCF-style: chr3-121724238-A-C.
Other names: c.232T>G, p.Tyr78Asp (NM_001199800.2, NM_175924.4); short protein forms Y78D.
Identifiers: ClinVar variation 2579957 (VCV002579957.3), dbSNP rs763591406, ClinGen allele CA354133337.

ClinVar aggregate classification (germline): Uncertain significance. Review status: criteria provided, multiple submitters, no conflicts (2 of 4 stars). 2 submissions from 2 submitters: Uncertain significance (2). Last evaluated 2024-09-02.

Allele frequency attached by ClinVar (database versions not stated): gnomAD 0.00001; TOPMed 0.00001.
gnomAD v4.1: 4 of 1,614,078 alleles (0.00025%); highest among the groups gnomAD compares: African/African-American, 0.0053%; no homozygotes.

Submissions (2):

Labcorp Genetics (formerly Invitae), Labcorp
Classification: Uncertain significance. Last evaluated: 2024-09-02. Review status: criteria provided, single submitter. Criteria: Invitae Variant Classification Sherloc (09022015). Collection method: clinical testing. Allele origin: germline.
Comment: This sequence change replaces tyrosine, which is neutral and polar, with aspartic acid, which is acidic and polar, at codon 78 of the ILDR1 protein (p.Tyr78Asp). This variant is not present in population databases (gnomAD no frequency). This variant has not been reported in the literature in individuals affected with ILDR1-related conditions. ClinVar contains an entry for this variant (Variation ID: 2579957). An algorithm developed to predict the effect of missense changes on protein structure and function (PolyPhen-2) suggests that this variant is likely to be disruptive. Algorithms developed to predict the effect of sequence changes on RNA splicing suggest that this variant may create or strengthen a splice site. In summary, the available evidence is currently insufficient to determine the role of this variant in disease. Therefore, it has been classified as a Variant of Uncertain Significance.

GeneDx
Classification: Uncertain significance. Last evaluated: 2023-09-15. Review status: criteria provided, single submitter. Criteria: GeneDx Variant Classification Process June 2021. Collection method: clinical testing. Allele origin: germline. Affected: yes.
Comment: Not observed at significant frequency in large population cohorts (gnomAD); In silico analysis supports that this missense variant has a deleterious effect on protein structure/function; In silico analysis supports a deleterious effect on splicing; Has not been previously published as pathogenic or benign to our knowledge